The following is an entry in ClinVar:

ClinVar aggregate classification (germline): Uncertain significance (1 of 4 stars; one submission).

gnomAD v4.1: 6 of 1,605,010 alleles (0.00037%); highest among the groups gnomAD compares: Middle Eastern, 0.017%; no homozygotes.

Submission:

Labcorp Genetics (formerly Invitae), Labcorp
Classification: Uncertain significance. Last evaluated: 2025-09-24. Review status: criteria provided, single submitter. Criteria: Invitae Variant Classification Sherloc (09022015). Collection method: clinical testing. Allele origin: germline.
Comment: This sequence change replaces glutamic acid, which is acidic and polar, with glycine, which is neutral and non-polar, at codon 617 of the RECQL protein (p.Glu617Gly). This variant is present in population databases (no rsID available, gnomAD 0.001%). This variant has not been reported in the literature in individuals affected with RECQL-related conditions. An algorithm developed to predict the effect of missense changes on protein structure and function outputs the following: PolyPhen-2: "Benign". The glycine amino acid residue is found in multiple mammalian species, which suggests that this missense change does not adversely affect protein function. In summary, the available evidence is currently insufficient to determine the role of this variant in disease. Therefore, it has been classified as a Variant of Uncertain Significance.

NM_002907.4(RECQL):c.1850A>G (p.Glu617Gly)

Genes: PYROXD1 (pyridine nucleotide-disulphide oxidoreductase domain 1; plus strand), RECQL (RecQ like helicase; minus strand). Cytogenetic location: 12p12.1.
Variant type: single nucleotide variant.
Coding change: c.1850A>G on transcript NM_002907.4 (MANE Select); coding-DNA position 1850, A replaced by G.
Protein change: p.Glu617Gly; replaces glutamic acid 617 with glycine.
Molecular consequence: missense variant. On other transcripts: 3 prime UTR variant (3).
Genome position (GRCh38, 1-based): chr12:21,470,294, T>C on the plus strand (A>G on the coding strand, the complement: RECQL is on the minus strand). VCF-style: chr12-21470294-T-C. GRCh37 (hg19) VCF-style: chr12-21623228-T-C.
Other names: c.1850A>G, p.Glu617Gly (NM_032941.3); c.*1540T>C (NM_001350912.2, NM_001350913.2, NM_024854.5); short protein forms E617G.
Identifiers: ClinVar variation 4779016 (VCV004779016.1).
Genomic context (GRCh38, chr12:21,470,294, plus strand): 5'-TTAGAACCAGATTGCTGAAGCATGTTTGCAGCCTTCTTCTGGAAGTTGCCTGAATTTTTT[T>C]CCTCCATCTTTTTATCACCTTGTTCAGAATGACAAGTTTGAGACGATTCAGCCTACAAAA-3'
Protein context (NP_002898.2, residues 607-627): HSEQGDKKME[Glu617Gly]KNSGNFQKKA